The following is an entry in ClinVar:

ClinVar aggregate classification (germline): Likely benign (1 of 4 stars; one submission).

Submission:

CeGaT Center for Human Genetics Tuebingen
Classification: Likely benign. Last evaluated: 2026-02-01. Review status: criteria provided, single submitter. Criteria: CeGaT Center For Human Genetics Tuebingen Variant Classification Criteria Version 2. Collection method: clinical testing. Allele origin: germline. Affected: yes. Observed: 1 variant allele.
Comment: CNTNAP3B: PM2:Supporting, BP4, BP7

NM_001201380.3(CNTNAP3B):c.144A>G (p.Ser48=)

Gene: CNTNAP3B (contactin associated protein family member 3B; minus strand). Cytogenetic location: 9p11.2.
Variant type: single nucleotide variant.
Coding change: c.144A>G on transcript NM_001201380.3 (MANE Select); coding-DNA position 144, A replaced by G.
Protein change: p.Ser48=; no amino-acid change (serine 48 retained).
Molecular consequence: synonymous variant.
Genome position (GRCh38, 1-based): chr9:42,104,681, T>C on the plus strand (A>G on the coding strand, the complement: CNTNAP3B is on the minus strand). VCF-style: chr9-42104681-T-C. GRCh37 (hg19) VCF-style: chr9-43709708-A-G.
Identifiers: ClinVar variation 4823162 (VCV004823162.4).